The following is an entry in ClinVar:

ClinVar aggregate classification (germline): Uncertain significance. Review status: criteria provided, multiple submitters, no conflicts (2 of 4 stars). 3 submissions from 3 submitters: Uncertain significance (3). Last evaluated 2025-10-22.

Conditions:
Inborn genetic diseases. Identifiers: MedGen C0950123, MeSH D030342.
TTC7A-related disorder. Also called: TTC7A-related condition.
Multiple gastrointestinal atresias. Also called: FAMILIAL INTESTINAL POLYATRESIA SYNDROME; Multiple intestinal atresia. Identifiers: Orphanet 2300, MedGen C0220744, MONDO:0009465.

Allele frequency attached by ClinVar (database versions not stated): gnomAD exomes 0.00001 and 0.00002; ExAC 0.00002; gnomAD 0.00004 and 0.00005; TOPMed 0.00004; ESP Exome Variant Server 0.00008; 1000 Genomes Project 0.00020; 1000 Genomes Project 30x 0.00031.
gnomAD v4.1: 25 of 1,614,028 alleles (0.0015%); highest among the groups gnomAD compares: African/African-American, 0.024%; no homozygotes.

Submissions (3):

PreventionGenetics, part of Exact Sciences
Classification: Uncertain significance for TTC7A-related condition. Last evaluated: 2025-10-22. Review status: criteria provided, single submitter. Criteria: ACMG Guidelines, 2015. Collection method: clinical testing. Allele origin: germline.
Comment: The TTC7A c.290C>T variant is predicted to result in the amino acid substitution p.Pro97Leu. To our knowledge, this variant has not been reported in the literature. This variant is reported in 0.020% of alleles in individuals of African descent in gnomAD. At this time, the clinical significance of this variant is uncertain due to the absence of conclusive functional and genetic evidence.

Ambry Genetics
Classification: Uncertain significance for Inborn genetic diseases. Last evaluated: 2023-06-29. Review status: criteria provided, single submitter. Criteria: Ambry Variant Classification Scheme 2023. Collection method: clinical testing. Allele origin: germline.

Labcorp Genetics (formerly Invitae), Labcorp
Classification: Uncertain significance for Multiple gastrointestinal atresias. Last evaluated: 2022-02-11. Review status: criteria provided, single submitter. Criteria: Invitae Variant Classification Sherloc (09022015). Collection method: clinical testing. Allele origin: germline.
Comment: This sequence change replaces proline, which is neutral and non-polar, with leucine, which is neutral and non-polar, at codon 97 of the TTC7A protein (p.Pro97Leu). This variant is present in population databases (rs145350780, gnomAD 0.02%). This variant has not been reported in the literature in individuals affected with TTC7A-related conditions. ClinVar contains an entry for this variant (Variation ID: 856342). Algorithms developed to predict the effect of missense changes on protein structure and function (SIFT, PolyPhen-2, Align-GVGD) all suggest that this variant is likely to be tolerated. In summary, the available evidence is currently insufficient to determine the role of this variant in disease. Therefore, it has been classified as a Variant of Uncertain Significance.

NM_020458.4(TTC7A):c.290C>T (p.Pro97Leu)

Gene: TTC7A (tetratricopeptide repeat domain 7A; plus strand). Cytogenetic location: 2p21.
Variant type: single nucleotide variant.
Coding change: c.290C>T on transcript NM_020458.4 (MANE Select); coding-DNA position 290, C replaced by T.
Protein change: p.Pro97Leu; replaces proline 97 with leucine.
Molecular consequence: missense variant. On other transcripts: 5 prime UTR variant (1).
Genome position (GRCh38, 1-based): chr2:46,950,468, C>T. VCF-style: chr2-46950468-C-T. GRCh37 (hg19) VCF-style: chr2-47177607-C-T.
Other names: c.290C>T (NM_020458.2); c.290C>T, p.Pro97Leu (NM_001288951.2); c.188C>T, p.Pro63Leu (NM_001288953.2); c.-615C>T (NM_001288955.2); short protein forms P97L, P63L.
Identifiers: ClinVar variation 856342 (VCV000856342.10), dbSNP rs145350780, ClinGen allele CA1647077.
Genomic context (GRCh38, chr2:46,950,468, plus strand): 5'-GTTTGAAGGAGAACCATGCCAAAATAAAAGACTCCATGCCTTTGCTGGAGAAGAATGAGC[C>T]GAAGATGAGCGAAGCCAAAAATTATCTAAGCAGTATCCTTAACCATGGGAGGCTCTCGGT-3'
Protein context (NP_065191.2, residues 87-107): DSMPLLEKNE[Pro97Leu]KMSEAKNYLS